The following is an entry in ClinVar:

NM_001267550.2(TTN):c.57277del (p.Gln19093fs)

Genes: TTN (titin; minus strand), TTN-AS1 (TTN antisense RNA 1; plus strand). Cytogenetic location: 2q31.2.
Variant type: Deletion.
Coding change: c.57277del on transcript NM_001267550.2 (MANE Select); coding-DNA position 57277, one base deleted (C; older notation c.57277delC).
Protein change: p.Gln19093fs; shifts the reading frame from glutamine 19093.
Molecular consequence: frameshift variant.
Genome position (GRCh38, 1-based): chr2:178,597,805, G deleted on the plus strand (C on the coding strand, the reverse complement: TTN is on the minus strand). VCF-style (leftmost placement, unchanged base first): chr2-178597804-TG-T. GRCh37 (hg19) VCF-style: chr2-179462531-TG-T.
Other names: c.52354del, p.Gln17452fs (NM_001256850.1); c.30082del, p.Gln10028fs (NM_003319.4); c.49573del, p.Gln16525fs (NM_133378.4); c.30457del, p.Gln10153fs (NM_133432.3); c.30658del, p.Gln10220fs (NM_133437.4); c.30082delC (NM_003319.4); short protein forms Q10153fs, Q17452fs, Q10220fs, Q16525fs, Q10028fs, Q19093fs.
Identifiers: ClinVar variation 1798758 (VCV001798758.2), dbSNP rs2469805839, ClinGen allele CA2580064816.

ClinVar aggregate classification (germline): Likely pathogenic (1 of 4 stars; one submission).

Conditions:
Cardiovascular phenotype. Identifiers: MedGen CN230736.

Submission:

Ambry Genetics
Classification: Likely pathogenic for Cardiovascular phenotype. Last evaluated: 2021-09-16. Review status: criteria provided, single submitter. Criteria: Ambry Variant Classification Scheme 2023. Collection method: clinical testing. Allele origin: germline.
Comment: The c.30082delC variant, located in coding exon 121 of the TTN gene, results from a deletion of one nucleotide at nucleotide position 30082, causing a translational frameshift with a predicted alternate stop codon (p.Q10028Sfs*2). This exon is located in the A-band region of the N2-B isoform of the titin protein and is constitutively expressed in TTN transcripts (percent spliced in or PSI 100%). This variant is considered to be rare based on population cohorts in the Genome Aggregation Database (gnomAD). This alteration is expected to result in loss of function by premature protein truncation or nonsense-mediated mRNA decay. While truncating variants in TTN are present in 1-3% of the general population, truncating variants in the A-band are the most common cause of dilated cardiomyopathy (DCM) (Herman DS et al. N. Engl. J. Med., 2012 Feb;366:619-28; Roberts AM et al. Sci Transl Med, 2015 Jan;7:270ra6). TTN truncating variants encoded in constitutive exons (PSI >90%) have been found to be significantly associated with DCM regardless of their position in titin (Schafer S et al. Nat. Genet., 2017 01;49:46-53). As such, this alteration is classified as likely pathogenic.